The following is an entry in ClinVar:

NM_001267550.2(TTN):c.48589C>T (p.Arg16197Cys)

Genes: TTN (titin; minus strand), TTN-AS1 (TTN antisense RNA 1; plus strand). Cytogenetic location: 2q31.2.
Variant type: single nucleotide variant.
Coding change: c.48589C>T on transcript NM_001267550.2 (MANE Select); coding-DNA position 48589, C replaced by T.
Protein change: p.Arg16197Cys; replaces arginine 16197 with cysteine.
Molecular consequence: missense variant. On other transcripts: non-coding transcript variant (1).
Genome position (GRCh38, 1-based): chr2:178,615,356, G>A on the plus strand (C>T on the coding strand, the complement: TTN is on the minus strand). VCF-style: chr2-178615356-G-A. GRCh37 (hg19) VCF-style: chr2-179480083-G-A.
Other names: c.43666C>T, p.Arg14556Cys (NM_001256850.1); c.21394C>T, p.Arg7132Cys (NM_003319.4); c.40885C>T, p.Arg13629Cys (NM_133378.4); c.21769C>T, p.Arg7257Cys (NM_133432.3); c.21970C>T, p.Arg7324Cys (NM_133437.4); short protein forms R16197C, R13629C, R7132C, R7324C, R14556C, R7257C.
Identifiers: ClinVar variation 467206 (VCV000467206.10), dbSNP rs748917057, ClinGen allele CA1994784.

ClinVar aggregate classification (germline): Conflicting classifications of pathogenicity. Review status: criteria provided, conflicting classifications (1 of 4 stars). 4 submissions from 4 submitters: Uncertain significance (3); Likely benign (1). Last evaluated 2026-05-08.

Conditions:
Autosomal recessive limb-girdle muscular dystrophy type 2J (LGMDR10). Also called: Limb-girdle muscular dystrophy, type 2J; MUSCULAR DYSTROPHY, LIMB-GIRDLE, AUTOSOMAL RECESSIVE 10. Identifiers: Orphanet 140922, MedGen C1837342, MONDO:0012127, OMIM 608807.
Dilated cardiomyopathy 1G (CMD1G). Identifiers: Orphanet 154, MedGen C1858763, MONDO:0011400, OMIM 604145.
TTN-related disorder. Also called: TTN-related condition; TTN-related disease; TTN-related disorders.

Allele frequency attached by ClinVar (database versions not stated): ExAC 0.00002; gnomAD 0.00004 and 0.00006; TOPMed 0.00014.
gnomAD v4.1: 21 of 1,612,298 alleles (0.0013%); highest among the groups gnomAD compares: African/African-American, 0.0053%; no homozygotes.

Submissions (4):

PreventionGenetics, part of Exact Sciences
Classification: Uncertain significance for TTN-related condition. Last evaluated: 2026-05-08. Review status: criteria provided, single submitter. Criteria: ACMG Guidelines, 2015. Collection method: clinical testing. Allele origin: germline.
Comment: The TTN c.48589C>T variant is predicted to result in the amino acid substitution p.Arg16197Cys. To our knowledge, this variant has not been reported in the literature. This variant is reported in 0.0083% of alleles in individuals of African descent in gnomAD. At this time, the clinical significance of this variant is uncertain due to the absence of conclusive functional and genetic evidence.

GeneDx
Classification: Likely benign. Last evaluated: 2018-05-17. Review status: criteria provided, single submitter. Criteria: GeneDx Variant Classification (06012015). Collection method: clinical testing. Allele origin: germline. Affected: yes.
Comment: This variant is considered likely benign or benign based on one or more of the following criteria: it is a conservative change, it occurs at a poorly conserved position in the protein, it is predicted to be benign by multiple in silico algorithms, and/or has population frequency not consistent with disease.

Eurofins Ntd Llc (ga)
Classification: Uncertain significance. Last evaluated: 2017-09-01. Review status: criteria provided, single submitter. Criteria: EGL Classification Definitions 2015. Collection method: clinical testing. Allele origin: germline. Observed: 1 variant allele, 1 heterozygote.

Labcorp Genetics (formerly Invitae), Labcorp
Classification: Uncertain significance for Dilated cardiomyopathy 1G; Autosomal recessive limb-girdle muscular dystrophy type 2J. Last evaluated: 2017-07-21. Review status: criteria provided, single submitter. Criteria: Invitae Variant Classification Sherloc (09022015). Collection method: clinical testing. Allele origin: germline.